The following is an entry in ClinVar:

NM_018136.5(ASPM):c.5940C>T (p.Tyr1980=)

Gene: ASPM (assembly factor for spindle microtubules; minus strand). Cytogenetic location: 1q31.3.
Variant type: single nucleotide variant.
Coding change: c.5940C>T on transcript NM_018136.5 (MANE Select); coding-DNA position 5940, C replaced by T.
Protein change: p.Tyr1980=; no amino-acid change (tyrosine 1980 retained).
Molecular consequence: synonymous variant. On other transcripts: intron variant (1).
Genome position (GRCh38, 1-based): chr1:197,103,311, G>A on the plus strand (C>T on the coding strand, the complement: ASPM is on the minus strand). VCF-style: chr1-197103311-G-A. GRCh37 (hg19) VCF-style: chr1-197072441-G-A.
Other names: c.4066-7147C>T (NM_001206846.2).
Identifiers: ClinVar variation 194876 (VCV000194876.33), dbSNP rs150642468, ClinGen allele CA201408.

ClinVar aggregate classification (germline): Conflicting classifications of pathogenicity. Review status: criteria provided, conflicting classifications (1 of 4 stars). 6 submissions from 6 submitters: Uncertain significance (1); Benign (1); Likely benign (4). Last evaluated 2025-12-16.

Allele frequency attached by ClinVar (database versions not stated): gnomAD exomes 0.00043; ExAC 0.00050; 1000 Genomes Project 0.00140; ESP Exome Variant Server 0.00154; gnomAD 0.00164 and 0.00177; 1000 Genomes Project 30x 0.00172; TOPMed 0.00189.
gnomAD v4.1: 506 of 1,613,082 alleles (0.031%); highest among the groups gnomAD compares: African/African-American, 0.61%; 3 homozygotes.

Submissions (6):

Labcorp Genetics (formerly Invitae), Labcorp
Classification: Benign. Last evaluated: 2025-12-16. Review status: criteria provided, single submitter. Criteria: Invitae Variant Classification Sherloc (09022015). Collection method: clinical testing. Allele origin: germline.

CeGaT Center for Human Genetics Tuebingen
Classification: Likely benign. Last evaluated: 2025-11-01. Review status: criteria provided, single submitter. Criteria: CeGaT Center For Human Genetics Tuebingen Variant Classification Criteria Version 2. Collection method: clinical testing. Allele origin: germline. Affected: yes. Observed: 2 variant alleles.
Comment: ASPM: BP4, BP7

Blueprint Genetics
Classification: Likely benign. Last evaluated: 2024-11-12. Review status: criteria provided, single submitter. Criteria: ACMG Guidelines, 2015. Collection method: clinical testing. Allele origin: germline.

GeneDx
Classification: Likely benign. Last evaluated: 2021-05-25. Review status: criteria provided, single submitter. Criteria: GeneDx Variant Classification Process June 2021. Collection method: clinical testing. Allele origin: germline. Affected: yes.

Eurofins Ntd Llc (ga)
Classification: Likely benign. Last evaluated: 2015-02-19. Review status: criteria provided, single submitter. Criteria: EGL Classification Definitions 2015. Collection method: clinical testing. Allele origin: germline. Observed: 1 variant allele, 1 heterozygote.

Genetic Services Laboratory, University of Chicago
Classification: Uncertain significance. Last evaluated: 2014-09-02. Review status: criteria provided, single submitter. Criteria: ACMG Guidelines, 2015. Collection method: clinical testing. Allele origin: germline.